The following is an entry in ClinVar:

NM_006947.4(SRP72):c.1468G>A (p.Ala490Thr)

Gene: SRP72 (signal recognition particle 72; plus strand). Cytogenetic location: 4q12.
Variant type: single nucleotide variant.
Coding change: c.1468G>A on transcript NM_006947.4 (MANE Select); coding-DNA position 1468, G replaced by A.
Protein change: p.Ala490Thr; replaces alanine 490 with threonine.
Molecular consequence: missense variant. On other transcripts: non-coding transcript variant (1).
Genome position (GRCh38, 1-based): chr4:56,490,611, G>A. VCF-style: chr4-56490611-G-A. GRCh37 (hg19) VCF-style: chr4-57356777-G-A.
Other names: c.1285G>A, p.Ala429Thr (NM_001267722.2); short protein forms A429T, A490T.
Identifiers: ClinVar variation 4174944 (VCV004174944.1).

ClinVar aggregate classification (germline): Uncertain significance (1 of 4 stars; one submission).

gnomAD v4.1: 3 of 1,613,830 alleles (0.00019%); highest among the groups gnomAD compares: East Asian, 0.0067%; no homozygotes.

Submission:

Ambry Genetics
Classification: Uncertain significance. Last evaluated: 2025-07-25. Review status: criteria provided, single submitter. Criteria: Ambry Variant Classification Scheme 2023. Collection method: clinical testing. Allele origin: germline.
Comment: The p.A490T variant (also known as c.1468G>A), located in coding exon 15 of the SRP72 gene, results from a G to A substitution at nucleotide position 1468. The alanine at codon 490 is replaced by threonine, an amino acid with similar properties. This amino acid position is conserved. In addition, this alteration is predicted to be deleterious by in silico analysis. Based on the available evidence, the clinical significance of this variant remains unclear.